The following is an entry in ClinVar:

NM_001297.5(CNGB1):c.3422C>T (p.Ala1141Val)

Gene: CNGB1 (cyclic nucleotide gated channel subunit beta 1; minus strand). Cytogenetic location: 16q21.
Variant type: single nucleotide variant.
Coding change: c.3422C>T on transcript NM_001297.5 (MANE Select); coding-DNA position 3422, C replaced by T.
Protein change: p.Ala1141Val; replaces alanine 1141 with valine.
Molecular consequence: missense variant.
Genome position (GRCh38, 1-based): chr16:57,887,895, G>A on the plus strand (C>T on the coding strand, the complement: CNGB1 is on the minus strand). VCF-style: chr16-57887895-G-A. GRCh37 (hg19) VCF-style: chr16-57921799-G-A.
Other names: c.3404C>T, p.Ala1135Val (NM_001286130.2); c.3422C>T (NM_001297.4); short protein forms A1135V, A1141V.
Identifiers: ClinVar variation 1512333 (VCV001512333.9), dbSNP rs562161300, ClinGen allele CA8082570.

ClinVar aggregate classification (germline): Uncertain significance. Review status: criteria provided, multiple submitters, no conflicts (2 of 4 stars). 4 submissions from 4 submitters: Uncertain significance (4). Last evaluated 2024-09-26.

Conditions:
Retinal dystrophy. Also called: Inherited retinal dystrophy. Identifiers: Orphanet 71862, MedGen C0854723, MeSH D058499, MONDO:0019118, HP:0000556.
Inborn genetic diseases. Identifiers: MedGen C0950123, MeSH D030342.

Allele frequency attached by ClinVar (database versions not stated): ExAC 0.00002; gnomAD exomes 0.00004 and 0.00005; gnomAD 0.00006 and 0.00007; TOPMed 0.00006; 1000 Genomes Project 30x 0.00016; 1000 Genomes Project 0.00020.
gnomAD v4.1: 81 of 1,614,160 alleles (0.005%); highest among the groups gnomAD compares: African/African-American, 0.031%; no homozygotes.

Submissions (4):

Ambry Genetics
Classification: Uncertain significance for Inborn genetic diseases. Last evaluated: 2024-09-26. Review status: criteria provided, single submitter. Criteria: Ambry Variant Classification Scheme 2023. Collection method: clinical testing. Allele origin: germline.

Blueprint Genetics
Classification: Uncertain significance. Last evaluated: 2024-09-24. Review status: criteria provided, single submitter. Criteria: ACMG Guidelines, 2015. Collection method: clinical testing. Allele origin: germline.

Dept Of Ophthalmology, Nagoya University
Classification: Uncertain significance for Retinal dystrophy. Last evaluated: 2023-10-01. Review status: criteria provided, single submitter. Criteria: Submitter's publication. Collection method: research. Allele origin: germline. Affected: yes.

Labcorp Genetics (formerly Invitae), Labcorp
Classification: Uncertain significance. Last evaluated: 2021-08-30. Review status: criteria provided, single submitter. Criteria: Invitae Variant Classification Sherloc (09022015). Collection method: clinical testing. Allele origin: germline.
Comment: This sequence change replaces alanine with valine at codon 1141 of the CNGB1 protein (p.Ala1141Val). The alanine residue is moderately conserved and there is a small physicochemical difference between alanine and valine. This variant is present in population databases (rs562161300, ExAC 0.006%). This variant has not been reported in the literature in individuals affected with CNGB1-related conditions. Advanced modeling of protein sequence and biophysical properties (such as structural, functional, and spatial information, amino acid conservation, physicochemical variation, residue mobility, and thermodynamic stability) performed at Invitae indicates that this missense variant is not expected to disrupt CNGB1 protein function. In summary, the available evidence is currently insufficient to determine the role of this variant in disease. Therefore, it has been classified as a Variant of Uncertain Significance.